The following is an entry in ClinVar:

ClinVar aggregate classification (germline): Likely pathogenic (1 of 4 stars; one submission).

Submission:

GeneDx
Classification: Likely pathogenic. Last evaluated: 2017-04-11. Review status: criteria provided, single submitter. Criteria: GeneDx Variant Classification (06012015). Collection method: clinical testing. Allele origin: germline. Affected: yes.
Comment: The G2083V variant in the COL6A3 gene has not been reported previously as a pathogenic variant, nor as a benign variant, to our knowledge. The G2083V variant is not observed in large population cohorts (Lek et al., 2016; 1000 Genomes Consortium et al., 2015; Exome Variant Server). This substitution occurs at a position that is conserved across species, affecting a Glycine residue of the triple-helical region containing Gly-X-Y repeats. In silico analysis predicts this variant is probably damaging to the protein structure/function. Missense variants in nearby residues (G2080C, G2080D) have been reported in the Human Gene Mutation Database in association with COL6A3-related disorders (Stenson et al., 2014), supporting the functional importance of this region of the protein. However, the G2083V variant is a conservative amino acid substitution, which is not likely to impact secondary protein structure as these residues share similar properties. The G2083V variant is a strong candidate for a pathogenic variant. However, the possibility it may be a rare benign variant cannot be excluded.

NM_004369.4(COL6A3):c.6248G>T (p.Gly2083Val)

Gene: COL6A3 (collagen type VI alpha 3 chain; minus strand). Cytogenetic location: 2q37.3.
Variant type: single nucleotide variant.
Coding change: c.6248G>T on transcript NM_004369.4 (MANE Select); coding-DNA position 6248, G replaced by T.
Protein change: p.Gly2083Val; replaces glycine 2083 with valine.
Molecular consequence: missense variant.
Genome position (GRCh38, 1-based): chr2:237,360,122, C>A on the plus strand (G>T on the coding strand, the complement: COL6A3 is on the minus strand). VCF-style: chr2-237360122-C-A. GRCh37 (hg19) VCF-style: chr2-238268765-C-A.
Other names: c.4427G>T, p.Gly1476Val (NM_057166.5); c.5630G>T, p.Gly1877Val (NM_057167.4); short protein forms G2083V, G1877V, G1476V.
Identifiers: ClinVar variation 426588 (VCV000426588.2), dbSNP rs1085307697, ClinGen allele CA351216598.